The following is an entry in ClinVar:

NM_007118.4(TRIO):c.5765C>T (p.Ala1922Val)

Gene: TRIO (trio Rho guanine nucleotide exchange factor; plus strand). Cytogenetic location: 5p15.2.
Variant type: single nucleotide variant.
Coding change: c.5765C>T on transcript NM_007118.4 (MANE Select); coding-DNA position 5765, C replaced by T.
Protein change: p.Ala1922Val; replaces alanine 1922 with valine.
Molecular consequence: missense variant. On other transcripts: non-coding transcript variant (1).
Genome position (GRCh38, 1-based): chr5:14,471,319, C>T. VCF-style: chr5-14471319-C-T. GRCh37 (hg19) VCF-style: chr5-14471428-C-T.
Other names: short protein forms A1922V.
Identifiers: ClinVar variation 3254928 (VCV003254928.1), dbSNP rs2533561039.

ClinVar aggregate classification (germline): Uncertain significance (1 of 4 stars; one submission).

Conditions:
Intellectual developmental disorder, autosomal dominant 44, with microcephaly. Also called: Micrognathia-recurrent infections-behavioral abnormalities-mild intellectual disability syndrome; TRIO-Related Intellectual Disability. Identifiers: Orphanet 476126, MedGen C4310740, MONDO:0014892, OMIM 617061.

Submission:

Victorian Clinical Genetics Services, Murdoch Childrens Research Institute
Classification: Uncertain significance for Intellectual developmental disorder, autosomal dominant 44, with microcephaly. Last evaluated: 2023-07-17. Review status: criteria provided, single submitter. Criteria: ACMG Guidelines, 2015. Collection method: clinical testing. Allele origin: germline. Inheritance: Autosomal dominant inheritance. Affected: yes.
Comment: Based on the classification scheme VCGS_Germline_v1.3.4, this variant is classified as VUS-3B. Following criteria are met: 0103 - Both loss- and gain-of-function are known mechanisms of disease for this gene. Loss-of-function variants and missense within the RhoGEF domain are associated with microcephaly while gain-of-function missense within the 7th spectrin repeat are associated with macrocephaly (PMID: 32109419). (I) 0107 - This gene is associated with autosomal dominant disease. (I) 0200 - Variant is predicted to result in a missense amino acid change from alanine to valine. (I) 0251 - This variant is heterozygous. (I) 0301 - Variant is absent from gnomAD (both v2 and v3). (SP) 0503 - Missense variant consistently predicted to be tolerated by multiple in silico tools or not conserved in placental mammals with a minor amino acid change. (SB) 0600 - Variant is located in the annotated SH3-RhoG_link domain (DECIPHER). (I) 0710 - Another missense variant comparable to the one identified in this case has inconclusive previous evidence for pathogenicity. This alternative change (p.(Ala1922Thr)) has been reported in an individual with intellectual disability, where the variant was inherited from an unaffected mother (PMID: 26721934). (I) 0807 - This variant has no previous evidence of pathogenicity. (I) 0905 - No published segregation evidence has been identified for this variant. (I) 1007 - No published functional evidence has been identified for this variant. (I) 1208 - Inheritance information for this variant is not currently available in this individual. (I) Legend: (SP) - Supporting pathogenic, (I) - Information, (SB) - Supporting benign

Literature cited by the submitters: PubMed 26721934; PubMed 32109419.